The following is an entry in ClinVar:

ClinVar aggregate classification (germline): Uncertain significance (1 of 4 stars; one submission).

Conditions:
Early-infantile DEE. Also called: Ohtahara syndrome; Early infantile epileptic encephalopathy; Early infantile epileptic encephalopathy with suppression bursts. Identifiers: Orphanet 1934, MedGen C0393706, MONDO:0800491.

Submission:

Labcorp Genetics (formerly Invitae), Labcorp
Classification: Uncertain significance for Early-infantile DEE. Last evaluated: 2024-07-20. Review status: criteria provided, single submitter. Criteria: Invitae Variant Classification Sherloc (09022015). Collection method: clinical testing. Allele origin: germline.
Comment: This sequence change replaces aspartic acid, which is acidic and polar, with phenylalanine, which is neutral and non-polar, at codon 1365 of the SPTAN1 protein (p.Asp1365Phe). Information on the frequency of this variant in the gnomAD database is not available, as this variant may be reported differently in the database. This variant has not been reported in the literature in individuals affected with SPTAN1-related conditions. An algorithm developed to predict the effect of missense changes on protein structure and function (PolyPhen-2) suggests that this variant is likely to be disruptive. In summary, the available evidence is currently insufficient to determine the role of this variant in disease. Therefore, it has been classified as a Variant of Uncertain Significance.

NM_001130438.3(SPTAN1):c.4093_4094delinsTT (p.Asp1365Phe)

Gene: SPTAN1 (spectrin alpha, non-erythrocytic 1; plus strand). Cytogenetic location: 9q34.11.
Variant type: Indel.
Coding change: c.4093_4094delinsTT on transcript NM_001130438.3 (MANE Select); coding-DNA positions 4093 to 4094, GA replaced by TT.
Protein change: p.Asp1365Phe; replaces aspartic acid 1365 with phenylalanine.
Molecular consequence: missense variant.
Genome position (GRCh38, 1-based): chr9:128,607,650-128,607,651, GA replaced by TT. VCF-style: chr9-128607650-GA-TT. GRCh37 (hg19) VCF-style: chr9-131369929-GA-TT.
Other names: c.4093_4094delinsTT, p.Asp1365Phe (NM_001363759.2, NM_001375310.1, NM_001375311.2 and 2 more transcripts); c.4033_4034delinsTT, p.Asp1345Phe (NM_001363765.2, NM_001375314.2, NM_001195532.2); c.4129_4130delinsTT, p.Asp1377Phe (NM_001375312.2, NM_001375318.1); short protein forms D1345F, D1377F, D1365F.
Identifiers: ClinVar variation 3660000 (VCV003660000.2).